The following is an entry in ClinVar:

ClinVar aggregate classification (germline): Uncertain significance. Review status: criteria provided, multiple submitters, no conflicts (2 of 4 stars). 2 submissions from 2 submitters: Uncertain significance (2). Last evaluated 2025-08-26.

Conditions:
Inborn genetic diseases. Identifiers: MedGen C0950123, MeSH D030342.
Predisposition to invasive fungal disease due to CARD9 deficiency (IMD103). Also called: CARD9 IMMUNODEFICIENCY; IMMUNODEFICIENCY 103, SUSCEPTIBILITY TO FUNGAL INFECTIONS; Candidiasis, familial, 2, autosomal recessive. Identifiers: Orphanet 457088, MedGen C1859353, MONDO:0008905, OMIM 212050.

Allele frequency attached by ClinVar (database versions not stated): gnomAD 0.00001; gnomAD exomes 0.00001; TOPMed 0.00002; ExAC 0.00008; ESP Exome Variant Server 0.00008.
gnomAD v4.1: 7 of 1,569,846 alleles (0.00045%); highest among the groups gnomAD compares: Admixed American, 0.0037%; no homozygotes.

Submissions (2):

Ambry Genetics
Classification: Uncertain significance for Inborn genetic diseases. Last evaluated: 2025-08-26. Review status: criteria provided, single submitter. Criteria: Ambry Variant Classification Scheme 2023. Collection method: clinical testing. Allele origin: germline.

Labcorp Genetics (formerly Invitae), Labcorp
Classification: Uncertain significance for Predisposition to invasive fungal disease due to CARD9 deficiency. Last evaluated: 2022-01-27. Review status: criteria provided, single submitter. Criteria: Invitae Variant Classification Sherloc (09022015). Collection method: clinical testing. Allele origin: germline.
Comment: This sequence change replaces aspartic acid, which is acidic and polar, with asparagine, which is neutral and polar, at codon 521 of the CARD9 protein (p.Asp521Asn). This variant is present in population databases (rs370908281, gnomAD 0.01%). This variant has not been reported in the literature in individuals affected with CARD9-related conditions. Algorithms developed to predict the effect of missense changes on protein structure and function are either unavailable or do not agree on the potential impact of this missense change (SIFT: "Tolerated"; PolyPhen-2: "Possibly Damaging"; Align-GVGD: "Class C0"). In summary, the available evidence is currently insufficient to determine the role of this variant in disease. Therefore, it has been classified as a Variant of Uncertain Significance.

NM_052813.5(CARD9):c.1561G>A (p.Asp521Asn)

Gene: CARD9 (caspase recruitment domain family member 9; minus strand). Cytogenetic location: 9q34.3.
Variant type: single nucleotide variant.
Coding change: c.1561G>A on transcript NM_052813.5 (MANE Select); coding-DNA position 1561, G replaced by A.
Protein change: p.Asp521Asn; replaces aspartic acid 521 with asparagine.
Molecular consequence: missense variant. On other transcripts: intron variant (1).
Genome position (GRCh38, 1-based): chr9:136,364,352, C>T on the plus strand (G>A on the coding strand, the complement: CARD9 is on the minus strand). VCF-style: chr9-136364352-C-T. GRCh37 (hg19) VCF-style: chr9-139258804-C-T.
Other names: c.1442-190G>A (NM_052814.4); short protein forms D521N.
Identifiers: ClinVar variation 1922685 (VCV001922685.3), dbSNP rs370908281, ClinGen allele CA5332581.